The following is an entry in ClinVar:

NM_005045.4(RELN):c.5615-2A>G

Gene: RELN (reelin; minus strand). Cytogenetic location: 7q22.1.
Variant type: single nucleotide variant.
Coding change: c.5615-2A>G on transcript NM_005045.4 (MANE Select); the canonical splice acceptor site of the intron before coding-DNA position 5615, A replaced by G.
Molecular consequence: splice acceptor variant.
Genome position (GRCh38, 1-based): chr7:103,557,161, T>C on the plus strand (A>G on the coding strand, the complement: RELN is on the minus strand). VCF-style: chr7-103557161-T-C. GRCh37 (hg19) VCF-style: chr7-103197608-T-C.
Other names: c.5615-2A>G (NM_173054.3).
Identifiers: ClinVar variation 1066813 (VCV001066813.7), dbSNP rs2117168257, ClinGen allele CA368742118.

ClinVar aggregate classification (germline): Likely pathogenic (1 of 4 stars; one submission).

Conditions:
Familial temporal lobe epilepsy 7. Identifiers: Orphanet 101046, MedGen C4225327, MONDO:0014639, OMIM 616436.
Norman-Roberts syndrome (LIS2). Also called: Lissencephaly 2 (Norman-Roberts type). Identifiers: Orphanet 89844, MedGen C0796089, MONDO:0009760, OMIM 257320.

Submission:

Labcorp Genetics (formerly Invitae), Labcorp
Classification: Likely pathogenic for Familial temporal lobe epilepsy 7; Norman-Roberts syndrome. Last evaluated: 2025-03-13. Review status: criteria provided, single submitter. Criteria: Invitae Variant Classification Sherloc (09022015). Collection method: clinical testing. Allele origin: germline.
Comment: This sequence change affects an acceptor splice site in intron 37 of the RELN gene. It is expected to disrupt RNA splicing. Variants that disrupt the donor or acceptor splice site typically lead to a loss of protein function (PMID: 16199547), and loss-of-function variants in RELN are known to be pathogenic (PMID: 10973257, 26046367, 28454995). This variant is not present in population databases (gnomAD no frequency). This variant has not been reported in the literature in individuals affected with RELN-related conditions. ClinVar contains an entry for this variant (Variation ID: 1066813). Algorithms developed to predict the effect of sequence changes on RNA splicing suggest that this variant may disrupt the consensus splice site. In summary, the currently available evidence indicates that the variant is pathogenic, but additional data are needed to prove that conclusively. Therefore, this variant has been classified as Likely Pathogenic.

Literature cited by the submitters: PubMed 16199547; PubMed 10973257; PubMed 26046367; PubMed 28454995.